The following is an entry in ClinVar:

NM_015057.5(MYCBP2):c.2392T>G (p.Cys798Gly)

Gene: MYCBP2 (MYC binding protein 2; minus strand). Cytogenetic location: 13q22.3.
Variant type: single nucleotide variant.
Coding change: c.2392T>G on transcript NM_015057.5 (MANE Select); coding-DNA position 2392, T replaced by G.
Protein change: p.Cys798Gly; replaces cysteine 798 with glycine.
Molecular consequence: missense variant.
Genome position (GRCh38, 1-based): chr13:77,243,941, A>C on the plus strand (T>G on the coding strand, the complement: MYCBP2 is on the minus strand). VCF-style: chr13-77243941-A-C. GRCh37 (hg19) VCF-style: chr13-77818076-A-C.
Other names: short protein forms C798G.
Identifiers: ClinVar variation 2576712 (VCV002576712.1), dbSNP rs2549476569, ClinGen allele CA388431989.

ClinVar aggregate classification (germline): Uncertain significance (1 of 4 stars; one submission).

Submission:

GeneDx
Classification: Uncertain significance. Last evaluated: 2023-02-17. Review status: criteria provided, single submitter. Criteria: GeneDx Variant Classification Process June 2021. Collection method: clinical testing. Allele origin: germline. Affected: yes.
Comment: Not observed at significant frequency in large population cohorts (gnomAD); In silico analysis supports that this missense variant has a deleterious effect on protein structure/function; Has not been previously published as pathogenic or benign to our knowledge